The following is an entry in ClinVar:

ClinVar aggregate classification (germline): Likely benign. Review status: criteria provided, multiple submitters, no conflicts (2 of 4 stars). 3 submissions from 3 submitters: Likely benign (3). Last evaluated 2026-01-09.

Allele frequency attached by ClinVar (database versions not stated): TOPMed 0.00002; ESP Exome Variant Server 0.00008.
gnomAD v4.1: 53 of 1,613,012 alleles (0.0033%); highest among the groups gnomAD compares: Non-Finnish European, 0.0041%; no homozygotes.

Submissions (3):

Labcorp Genetics (formerly Invitae), Labcorp
Classification: Likely benign. Last evaluated: 2026-01-09. Review status: criteria provided, single submitter. Criteria: Invitae Variant Classification Sherloc (09022015). Collection method: clinical testing. Allele origin: germline.

CeGaT Center for Human Genetics Tuebingen
Classification: Likely benign. Last evaluated: 2022-08-01. Review status: criteria provided, single submitter. Criteria: CeGaT Center For Human Genetics Tuebingen Variant Classification Criteria Version 2. Collection method: clinical testing. Allele origin: germline. Affected: yes. Observed: 1 variant allele.
Comment: GNB1: BP4, BP7

Blueprint Genetics
Classification: Likely benign. Last evaluated: 2020-03-21. Review status: criteria provided, single submitter. Criteria: ACMG Guidelines, 2015. Collection method: clinical testing. Allele origin: germline.

NM_002074.5(GNB1):c.519C>T (p.Thr173=)

Gene: GNB1 (G protein subunit beta 1; minus strand). Cytogenetic location: 1p36.33.
Variant type: single nucleotide variant.
Coding change: c.519C>T on transcript NM_002074.5 (MANE Select); coding-DNA position 519, C replaced by T.
Protein change: p.Thr173=; no amino-acid change (threonine 173 retained).
Molecular consequence: synonymous variant.
Genome position (GRCh38, 1-based): chr1:1,790,575, G>A on the plus strand (C>T on the coding strand, the complement: GNB1 is on the minus strand). VCF-style: chr1-1790575-G-A. GRCh37 (hg19) VCF-style: chr1-1722014-G-A.
Other names: c.219C>T, p.Thr73= (NM_001282538.2); c.519C>T, p.Thr173= (NM_001282539.2).
Identifiers: ClinVar variation 1407207 (VCV001407207.32), dbSNP rs374082962, ClinGen allele CA531984.